The following is an entry in ClinVar:

ClinVar aggregate classification (germline): Uncertain significance. Review status: criteria provided, multiple submitters, no conflicts (2 of 4 stars). 2 submissions from 2 submitters: Uncertain significance (2). Last evaluated 2023-01-20.

Conditions:
Inborn genetic diseases. Identifiers: MedGen C0950123, MeSH D030342.

Allele frequency attached by ClinVar (database versions not stated): ExAC 0.00004.
gnomAD v4.1: 21 of 1,570,310 alleles (0.0013%); highest among the groups gnomAD compares: South Asian, 0.0035%; no homozygotes.

Submissions (2):

Labcorp Genetics (formerly Invitae), Labcorp
Classification: Uncertain significance. Last evaluated: 2023-01-20. Review status: criteria provided, single submitter. Criteria: Invitae Variant Classification Sherloc (09022015). Collection method: clinical testing. Allele origin: germline.
Comment: In summary, the available evidence is currently insufficient to determine the role of this variant in disease. Therefore, it has been classified as a Variant of Uncertain Significance. This sequence change replaces valine, which is neutral and non-polar, with isoleucine, which is neutral and non-polar, at codon 446 of the AHDC1 protein (p.Val446Ile). This variant is present in population databases (rs747483558, gnomAD 0.01%). This variant has not been reported in the literature in individuals affected with AHDC1-related conditions. Algorithms developed to predict the effect of missense changes on protein structure and function are either unavailable or do not agree on the potential impact of this missense change (SIFT: "Deleterious"; PolyPhen-2: "Not Available"; Align-GVGD: "Class C0").

Ambry Genetics
Classification: Uncertain significance for Inborn genetic diseases. Last evaluated: 2022-02-03. Review status: criteria provided, single submitter. Criteria: Ambry Variant Classification Scheme 2023. Collection method: clinical testing. Allele origin: germline.

NM_001371928.1(AHDC1):c.1336G>A (p.Val446Ile)

Gene: AHDC1 (AT-hook DNA binding motif containing 1; minus strand). Cytogenetic location: 1p36.11.
Variant type: single nucleotide variant.
Coding change: c.1336G>A on transcript NM_001371928.1 (MANE Select); coding-DNA position 1336, G replaced by A.
Protein change: p.Val446Ile; replaces valine 446 with isoleucine.
Molecular consequence: missense variant.
Genome position (GRCh38, 1-based): chr1:27,550,780, C>T on the plus strand (G>A on the coding strand, the complement: AHDC1 is on the minus strand). VCF-style: chr1-27550780-C-T. GRCh37 (hg19) VCF-style: chr1-27877291-C-T.
Other names: c.1336G>A, p.Val446Ile (NM_001029882.3); short protein forms V446I.
Identifiers: ClinVar variation 2366570 (VCV002366570.5), dbSNP rs747483558, ClinGen allele CA715963.